The following is an entry in ClinVar:

NM_052947.4(ALPK2):c.3377T>C (p.Phe1126Ser)

Gene: ALPK2 (alpha kinase 2; minus strand). Cytogenetic location: 18q21.31.
Variant type: single nucleotide variant.
Coding change: c.3377T>C on transcript NM_052947.4 (MANE Select); coding-DNA position 3377, T replaced by C.
Protein change: p.Phe1126Ser; replaces phenylalanine 1126 with serine.
Molecular consequence: missense variant.
Genome position (GRCh38, 1-based): chr18:58,536,810, A>G on the plus strand (T>C on the coding strand, the complement: ALPK2 is on the minus strand). VCF-style: chr18-58536810-A-G. GRCh37 (hg19) VCF-style: chr18-56204042-A-G.
Other names: short protein forms F1126S.
Identifiers: ClinVar variation 3532055 (VCV003532055.1).

ClinVar aggregate classification (germline): Uncertain significance (1 of 4 stars; one submission).

gnomAD v4.1: 1 of 1,614,138 alleles (0.000062%); highest among the groups gnomAD compares: Non-Finnish European, 0.000085%; no homozygotes.

Submission:

Ambry Genetics
Classification: Uncertain significance. Last evaluated: 2024-11-14. Review status: criteria provided, single submitter. Criteria: Ambry Variant Classification Scheme 2023. Collection method: clinical testing. Allele origin: germline.
Comment: The p.F1126S variant (also known as c.3377T>C), located in coding exon 4 of the ALPK2 gene, results from a T to C substitution at nucleotide position 3377. The phenylalanine at codon 1126 is replaced by serine, an amino acid with highly dissimilar properties. This amino acid position is conserved. In addition, this alteration is predicted to be tolerated by in silico analysis. Based on the available evidence, the clinical significance of this variant remains unclear.